The following is an entry in ClinVar:

NM_001256864.2(DNAJC6):c.2476G>A (p.Gly826Arg)

Gene: DNAJC6 (DnaJ heat shock protein family (Hsp40) member C6; plus strand). Cytogenetic location: 1p31.3.
Variant type: single nucleotide variant.
Coding change: c.2476G>A on transcript NM_001256864.2 (MANE Select); coding-DNA position 2476, G replaced by A.
Protein change: p.Gly826Arg; replaces glycine 826 with arginine.
Molecular consequence: missense variant.
Genome position (GRCh38, 1-based): chr1:65,406,118, G>A. VCF-style: chr1-65406118-G-A. GRCh37 (hg19) VCF-style: chr1-65871801-G-A.
Other names: c.2266G>A, p.Gly756Arg (NM_001256865.2); c.2305G>A, p.Gly769Arg (NM_014787.4); short protein forms G756R, G769R, G826R.
Identifiers: ClinVar variation 2159246 (VCV002159246.4), dbSNP rs1557566254, ClinGen allele CA340716574.

ClinVar aggregate classification (germline): Uncertain significance (1 of 4 stars; one submission).

Conditions:
Juvenile onset Parkinson disease 19A. Also called: PARK19; DNAJC6 Parkinson Disease. Identifiers: Orphanet 391411, MedGen C3809811, MONDO:0014231, OMIM 615528.

Allele frequency attached by ClinVar (database versions not stated): gnomAD 0.00001; gnomAD exomes 0.00001.
gnomAD v4.1: 8 of 1,613,788 alleles (0.0005%); highest among the groups gnomAD compares: South Asian, 0.0044%; no homozygotes.

Submission:

Labcorp Genetics (formerly Invitae), Labcorp
Classification: Uncertain significance for Juvenile onset Parkinson disease 19A. Last evaluated: 2022-07-23. Review status: criteria provided, single submitter. Criteria: Invitae Variant Classification Sherloc (09022015). Collection method: clinical testing. Allele origin: germline.
Comment: This variant is not present in population databases (gnomAD no frequency). In summary, the available evidence is currently insufficient to determine the role of this variant in disease. Therefore, it has been classified as a Variant of Uncertain Significance. Algorithms developed to predict the effect of missense changes on protein structure and function are either unavailable or do not agree on the potential impact of this missense change (SIFT: "Tolerated"; PolyPhen-2: "Possibly Damaging"; Align-GVGD: "Class C0"). This variant has not been reported in the literature in individuals affected with DNAJC6-related conditions. This sequence change replaces glycine, which is neutral and non-polar, with arginine, which is basic and polar, at codon 826 of the DNAJC6 protein (p.Gly826Arg).